The following is an entry in ClinVar:

NM_006231.4(POLE):c.4663G>C (p.Val1555Leu)

Gene: POLE (DNA polymerase epsilon, catalytic subunit; minus strand). Cytogenetic location: 12q24.33.
Variant type: single nucleotide variant.
Coding change: c.4663G>C on transcript NM_006231.4 (MANE Select); coding-DNA position 4663, G replaced by C.
Protein change: p.Val1555Leu; replaces valine 1555 with leucine.
Molecular consequence: missense variant.
Genome position (GRCh38, 1-based): chr12:132,642,885, C>G on the plus strand (G>C on the coding strand, the complement: POLE is on the minus strand). VCF-style: chr12-132642885-C-G. GRCh37 (hg19) VCF-style: chr12-133219471-C-G.
Other names: short protein forms V1555L.
Identifiers: ClinVar variation 4672326 (VCV004672326.1).

ClinVar aggregate classification (germline): Uncertain significance (1 of 4 stars; one submission).

Conditions:
Hereditary cancer-predisposing syndrome. Also called: Neoplastic Syndromes, Hereditary; Tumor predisposition; Hereditary Cancer Syndrome; Hereditary neoplastic syndrome. Identifiers: Orphanet 140162, MedGen C0027672, MeSH D009386, MONDO:0015356.

Submission:

Ambry Genetics
Classification: Uncertain significance for Hereditary cancer-predisposing syndrome. Last evaluated: 2025-11-08. Review status: criteria provided, single submitter. Criteria: Ambry Variant Classification Scheme 2023. Collection method: clinical testing. Allele origin: germline.
Comment: The p.V1555L variant (also known as c.4663G>C), located in coding exon 36 of the POLE gene, results from a G to C substitution at nucleotide position 4663. The valine at codon 1555 is replaced by leucine, an amino acid with highly similar properties. This amino acid position is conserved. In addition, this alteration is predicted to be tolerated by in silico analysis. Based on the available evidence, the clinical significance of this variant remains unclear.